The following is an entry in ClinVar:

NC_000001.10:g.(?_16370276)_(16370376_16370980)del

Gene: CLCNKB (chloride voltage-gated channel Kb; plus strand). Cytogenetic location: 1p36.13.
Variant type: Deletion.
Identifiers: ClinVar variation 4848431 (VCV004848431.1).

ClinVar aggregate classification (germline): Uncertain significance (1 of 4 stars; one submission).

Submission:

Women's Health and Genetics/Laboratory Corporation of America, LabCorp
Classification: Uncertain significance. Last evaluated: 2026-04-17. Review status: criteria provided, single submitter. Criteria: LabCorp Variant Classification Summary - May 2015. Collection method: clinical testing. Allele origin: germline.
Comment: Variant summary: The variant involves the deletion of exon 1 in the CLCNKB gene. A presumed nomenclature of c.(?_-107)_(-8+1_-7-1)del has been designated for the purposes of this classification. The exact breakpoint at the 5' end of this variant is unknown, therefore this deletion may extend upstream of the annotated region of this gene and is predicted to remove only the 5' UTR. Loss-of-function variants in this gene are known to be pathogenic. However, the loss of only non-coding sequence does not allow conclusions about the impact to the protein. The variant was absent in 21688 control chromosomes. To our knowledge, no occurrence of similar copy number variants in individuals affected with CLCNKB-related conditions and no experimental evidence demonstrating impact on protein function have been reported. No submitters have cited clinical-significance assessments for similar copy number variants to ClinVar. Based on the evidence outlined above, the variant was classified as uncertain significance.